The following is an entry in ClinVar:

ClinVar aggregate classification (germline): Conflicting classifications of pathogenicity. Review status: criteria provided, conflicting classifications (1 of 4 stars). 4 submissions from 4 submitters: Uncertain significance (2); Likely benign (1). 1 of the submissions does not count toward it. Last evaluated 2026-01-15.

Conditions:
SLC25A19-related disorder. Also called: SLC25A19-related condition.
Amish lethal microcephaly (MCPHA). Also called: THIAMINE METABOLISM DYSFUNCTION SYNDROME 3 (MICROCEPHALY TYPE); MICROCEPHALY, AMISH TYPE. Identifiers: Orphanet 99742, MedGen C1846648, MONDO:0011790, OMIM 607196.

Allele frequency attached by ClinVar (database versions not stated): gnomAD exomes 0.00009 and 0.00014; 1000 Genomes Project 30x 0.00016; ExAC 0.00016; 1000 Genomes Project 0.00020; ESP Exome Variant Server 0.00023; TOPMed 0.00049; gnomAD 0.00058 and 0.00061.
gnomAD v4.1: 219 of 1,614,014 alleles (0.014%); highest among the groups gnomAD compares: African/African-American, 0.17%; no homozygotes.

Submissions (4):

Labcorp Genetics (formerly Invitae), Labcorp
Classification: Likely benign. Last evaluated: 2026-01-15. Review status: criteria provided, single submitter. Criteria: Invitae Variant Classification Sherloc (09022015). Collection method: clinical testing. Allele origin: germline.

Baylor Genetics
Classification: Uncertain significance for Amish lethal microcephaly. Last evaluated: 2018-05-30. Review status: criteria provided, single submitter. Criteria: ACMG Guidelines, 2015. Collection method: clinical testing. Allele origin: unknown. Affected: yes.
Comment: This variant was determined to be of uncertain significance according to ACMG Guidelines, 2015 [PMID:25741868].

Eurofins Ntd Llc (ga)
Classification: Uncertain significance. Last evaluated: 2018-04-03. Review status: criteria provided, single submitter. Criteria: EGL ClinVar v180209 classification definitions. Collection method: clinical testing. Allele origin: germline. Observed: 1 variant allele, 1 heterozygote.

PreventionGenetics, part of Exact Sciences
Classification: Likely benign for SLC25A19-related condition. Last evaluated: 2024-02-27. Review status: no assertion criteria provided. Collection method: clinical testing. Allele origin: germline. Not counted in ClinVar's aggregate classification.
Comment: This variant is classified as likely benign based on ACMG/AMP sequence variant interpretation guidelines (Richards et al. 2015 PMID: 25741868, with internal and published modifications).

NM_001126121.2(SLC25A19):c.842T>G (p.Phe281Cys)

Genes: MIF4GD-DT (MIF4GD divergent transcript; plus strand), SLC25A19 (solute carrier family 25 member 19; minus strand). Cytogenetic location: 17q25.1.
Variant type: single nucleotide variant.
Coding change: c.842T>G on transcript NM_001126121.2 (MANE Select); coding-DNA position 842, T replaced by G.
Protein change: p.Phe281Cys; replaces phenylalanine 281 with cysteine.
Molecular consequence: missense variant. On other transcripts: non-coding transcript variant (1).
Genome position (GRCh38, 1-based): chr17:75,273,572, A>C on the plus strand (T>G on the coding strand, the complement: SLC25A19 is on the minus strand). VCF-style: chr17-75273572-A-C. GRCh37 (hg19) VCF-style: chr17-73269653-A-C.
Other names: c.842T>G, p.Phe281Cys (NM_001126122.2, NM_021734.5); short protein forms F281C.
Identifiers: ClinVar variation 596497 (VCV000596497.15), dbSNP rs138376525, ClinGen allele CA8760870.